The following is an entry in ClinVar:

ClinVar aggregate classification (germline): Uncertain significance. Review status: criteria provided, multiple submitters, no conflicts (2 of 4 stars). 2 submissions from 2 submitters: Uncertain significance (2). Last evaluated 2025-11-08.

Conditions:
Inborn genetic diseases. Identifiers: MedGen C0950123, MeSH D030342.

gnomAD v4.1: 11 of 1,582,704 alleles (0.0007%); highest among the groups gnomAD compares: Admixed American, 0.0036%; no homozygotes.

Submissions (2):

Ambry Genetics
Classification: Uncertain significance for Inborn genetic diseases. Last evaluated: 2025-11-08. Review status: criteria provided, single submitter. Criteria: Ambry Variant Classification Scheme 2023. Collection method: clinical testing. Allele origin: germline.

Labcorp Genetics (formerly Invitae), Labcorp
Classification: Uncertain significance. Last evaluated: 2025-10-06. Review status: criteria provided, single submitter. Criteria: Invitae Variant Classification Sherloc (09022015). Collection method: clinical testing. Allele origin: germline.
Comment: This sequence change replaces glutamic acid, which is acidic and polar, with lysine, which is basic and polar, at codon 686 of the NR3C2 protein (p.Glu686Lys). This variant is present in population databases (no rsID available, gnomAD 0.003%). This variant has not been reported in the literature in individuals affected with NR3C2-related conditions. ClinVar contains an entry for this variant (Variation ID: 3713334). Invitae Evidence Modeling of protein sequence and biophysical properties (such as structural, functional, and spatial information, amino acid conservation, physicochemical variation, residue mobility, and thermodynamic stability) indicates that this missense variant is expected to disrupt NR3C2 protein function with a positive predictive value of 80%. In summary, the available evidence is currently insufficient to determine the role of this variant in disease. Therefore, it has been classified as a Variant of Uncertain Significance.

NM_000901.5(NR3C2):c.2056G>A (p.Glu686Lys)

Gene: NR3C2 (nuclear receptor subfamily 3 group C member 2; minus strand). Cytogenetic location: 4q31.23.
Variant type: single nucleotide variant.
Coding change: c.2056G>A on transcript NM_000901.5 (MANE Select); coding-DNA position 2056, G replaced by A.
Protein change: p.Glu686Lys; replaces glutamic acid 686 with lysine.
Molecular consequence: missense variant. On other transcripts: intron variant (2).
Genome position (GRCh38, 1-based): chr4:148,154,860, C>T on the plus strand (G>A on the coding strand, the complement: NR3C2 is on the minus strand). VCF-style: chr4-148154860-C-T. GRCh37 (hg19) VCF-style: chr4-149076011-C-T.
Other names: c.2015-2247G>A (NM_001354819.1, NM_001166104.2); c.2056G>A (NM_000901.4); short protein forms E686K.
Identifiers: ClinVar variation 3713334 (VCV003713334.3).